The following is an entry in ClinVar:

ClinVar aggregate classification (germline): Uncertain significance (1 of 4 stars; one submission).

Submission:

Labcorp Genetics (formerly Invitae), Labcorp
Classification: Uncertain significance. Last evaluated: 2020-08-08. Review status: criteria provided, single submitter. Criteria: Invitae Variant Classification Sherloc (09022015). Collection method: clinical testing. Allele origin: germline.
Comment: In summary, the available evidence is currently insufficient to determine the role of this variant in disease. Therefore, it has been classified as a Variant of Uncertain Significance. Algorithms developed to predict the effect of missense changes on protein structure and function are either unavailable or do not agree on the potential impact of this missense change (SIFT: "Deleterious"; PolyPhen-2: "Benign"; Align-GVGD: "Class C0"). This variant has not been reported in the literature in individuals with CEP78-related conditions. This variant is not present in population databases (ExAC no frequency). This sequence change replaces lysine with asparagine at codon 336 of the CEP78 protein (p.Lys336Asn). The lysine residue is weakly conserved and there is a moderate physicochemical difference between lysine and asparagine.

NM_001330691.3(CEP78):c.1008A>C (p.Lys336Asn)

Gene: CEP78 (centrosomal protein 78; plus strand). Cytogenetic location: 9q21.2.
Variant type: single nucleotide variant.
Coding change: c.1008A>C on transcript NM_001330691.3 (MANE Select); coding-DNA position 1008, A replaced by C.
Protein change: p.Lys336Asn; replaces lysine 336 with asparagine.
Molecular consequence: missense variant.
Genome position (GRCh38, 1-based): chr9:78,248,812, A>C. VCF-style: chr9-78248812-A-C. GRCh37 (hg19) VCF-style: chr9-80863728-A-C.
Other names: c.1008A>C, p.Lys336Asn (NM_001098802.3, NM_001330693.3, NM_001330694.2 and 4 more transcripts); short protein forms K336N.
Identifiers: ClinVar variation 1044050 (VCV001044050.8), dbSNP rs1826621080, ClinGen allele CA373857862.